The following is an entry in ClinVar:

ClinVar aggregate classification (germline): Likely benign. Review status: criteria provided, single submitter (1 of 4 stars). 2 submissions from 2 submitters: Likely benign (1). 1 of the submissions does not count toward it. Last evaluated 2022-05-04.

Conditions:
Inborn genetic diseases. Identifiers: MedGen C0950123, MeSH D030342.
ANKLE2-related disorder. Also called: ANKLE2-related condition.

Allele frequency attached by ClinVar (database versions not stated): 1000 Genomes Project 30x 0.00016; 1000 Genomes Project 0.00020; ESP Exome Variant Server 0.00024; gnomAD exomes 0.00038; gnomAD 0.00040; TOPMed 0.00050; ExAC 0.00056.

Submissions (2):

Ambry Genetics
Classification: Likely benign for Inborn genetic diseases. Last evaluated: 2022-05-04. Review status: criteria provided, single submitter. Criteria: Ambry Variant Classification Scheme 2023. Collection method: clinical testing. Allele origin: germline.

PreventionGenetics, part of Exact Sciences
Classification: Benign for ANKLE2-related condition. Last evaluated: 2019-11-26. Review status: no assertion criteria provided. Collection method: clinical testing. Allele origin: germline. Not counted in ClinVar's aggregate classification.
Comment: This variant is classified as benign based on ACMG/AMP sequence variant interpretation guidelines (Richards et al. 2015 PMID: 25741868, with internal and published modifications).

NM_015114.3(ANKLE2):c.2072C>T (p.Pro691Leu)

Gene: ANKLE2 (ankyrin repeat and LEM domain containing 2; minus strand). Cytogenetic location: 12q24.33.
Variant type: single nucleotide variant.
Coding change: c.2072C>T on transcript NM_015114.3 (MANE Select); coding-DNA position 2072, C replaced by T.
Protein change: p.Pro691Leu; replaces proline 691 with leucine.
Molecular consequence: missense variant.
Genome position (GRCh38, 1-based): chr12:132,730,090, G>A on the plus strand (C>T on the coding strand, the complement: ANKLE2 is on the minus strand). VCF-style: chr12-132730090-G-A. GRCh37 (hg19) VCF-style: chr12-133306676-G-A.
Other names: c.2072C>T (NM_015114.2); short protein forms P691L.
Identifiers: ClinVar variation 2350555 (VCV002350555.4), dbSNP rs199617196, ClinGen allele CA6895332.